The following is an entry in ClinVar:

ClinVar aggregate classification (germline): Likely pathogenic (1 of 4 stars; one submission).

Submission:

GeneDx
Classification: Likely pathogenic. Last evaluated: 2022-11-29. Review status: criteria provided, single submitter. Criteria: GeneDx Variant Classification Process June 2021. Collection method: clinical testing. Allele origin: germline. Affected: yes.
Comment: Frameshift variant predicted to result in protein truncation, as the last 24 amino acids are replaced with 108 different amino acids; Not observed in large population cohorts (gnomAD); Has not been previously published as pathogenic or benign to our knowledge

NM_003091.4(SNRPB):c.621del (p.Gly208fs)

Gene: SNRPB (small nuclear ribonucleoprotein polypeptides B and B1; minus strand). Cytogenetic location: 20p13.
Variant type: Deletion.
Coding change: c.621del on transcript NM_003091.4 (MANE Select); coding-DNA position 621, one base deleted (T; older notation c.621delT).
Protein change: p.Gly208fs; shifts the reading frame from glycine 208.
Molecular consequence: frameshift variant.
Genome position (GRCh38, 1-based): chr20:2,462,700, A deleted on the plus strand (T on the coding strand, the reverse complement: SNRPB is on the minus strand). VCF-style (leftmost placement, unchanged base first): chr20-2462699-CA-C. GRCh37 (hg19) VCF-style: chr20-2443345-CA-C.
Other names: c.621del, p.Gly208fs (NM_198216.2); short protein forms G208fs.
Identifiers: ClinVar variation 2413043 (VCV002413043.3), dbSNP rs2514419360, ClinGen allele CA2580097965.